The following is an entry in ClinVar:

ClinVar aggregate classification (germline): Uncertain significance (1 of 4 stars; one submission).

Conditions:
Hereditary pheochromocytoma and paraganglioma. Also called: Hereditary pheochromocytoma-paraganglioma; Hereditary paragangliomas and pheochromocytomas; Hereditary Paraganglioma-Pheochromocytoma Syndromes. Identifiers: Orphanet 29072, MedGen C4274332, MONDO:0017366.

Submission:

Labcorp Genetics (formerly Invitae), Labcorp
Classification: Uncertain significance for Hereditary pheochromocytoma and paraganglioma. Last evaluated: 2022-09-12. Review status: criteria provided, single submitter. Criteria: Invitae Variant Classification Sherloc (09022015). Collection method: clinical testing. Allele origin: germline.
Comment: In summary, the available evidence is currently insufficient to determine the role of this variant in disease. Therefore, it has been classified as a Variant of Uncertain Significance. Algorithms developed to predict the effect of missense changes on protein structure and function are either unavailable or do not agree on the potential impact of this missense change (SIFT: "Deleterious"; PolyPhen-2: "Possibly Damaging"; Align-GVGD: "Class C0"). This variant has not been reported in the literature in individuals affected with MAX-related conditions. This variant is not present in population databases (gnomAD no frequency). This sequence change replaces asparagine, which is neutral and polar, with tyrosine, which is neutral and polar, at codon 125 of the MAX protein (p.Asn125Tyr).

NM_002382.5(MAX):c.373A>T (p.Asn125Tyr)

Gene: MAX (MYC associated transcriptional regulator X; minus strand). Cytogenetic location: 14q23.3.
Variant type: single nucleotide variant.
Coding change: c.373A>T on transcript NM_002382.5 (MANE Select); coding-DNA position 373, A replaced by T.
Protein change: p.Asn125Tyr; replaces asparagine 125 with tyrosine.
Molecular consequence: missense variant. On other transcripts: 3 prime UTR variant (1), intron variant (2).
Genome position (GRCh38, 1-based): chr14:65,076,586, T>A on the plus strand (A>T on the coding strand, the complement: MAX is on the minus strand). VCF-style: chr14-65076586-T-A. GRCh37 (hg19) VCF-style: chr14-65543304-T-A.
Other names: c.184A>T, p.Asn62Tyr (NM_001407106.1, NM_001407107.1, NM_001320415.2 and 1 more transcripts); c.*146A>T (NM_001407108.1, NM_001407096.1, NM_001407099.1 and 2 more transcripts); c.*162A>T (NM_001407109.1, NM_001407110.1, NM_145113.3 and 4 more transcripts); c.172A>T, p.Asn58Tyr (NM_001407111.1, NM_001407112.1); c.346A>T, p.Asn116Tyr (NM_145112.3, NM_001407095.1); c.373A>T, p.Asn125Tyr (NM_001407094.1); c.265A>T, p.Asn89Tyr (NM_001407098.1); c.144+17122A>T (NM_001271069.2); and 1 more; short protein forms N116Y, N125Y, N58Y, N62Y, N89Y.
Identifiers: ClinVar variation 1719259 (VCV001719259.5), dbSNP rs2063062933, ClinGen allele CA390031748.